The following is an entry in ClinVar:

ClinVar aggregate classification (germline): Uncertain significance (1 of 4 stars; one submission).

Allele frequency attached by ClinVar (database versions not stated): gnomAD exomes below 0.00001 and 0.00001; gnomAD 0.00001; TOPMed 0.00001.
gnomAD v4.1: 7 of 1,613,830 alleles (0.00043%); highest among the groups gnomAD compares: East Asian, 0.0045%; no homozygotes.

Submission:

Labcorp Genetics (formerly Invitae), Labcorp
Classification: Uncertain significance. Last evaluated: 2024-05-31. Review status: criteria provided, single submitter. Criteria: Invitae Variant Classification Sherloc (09022015). Collection method: clinical testing. Allele origin: germline.
Comment: This sequence change replaces glycine, which is neutral and non-polar, with serine, which is neutral and polar, at codon 3297 of the VCAN protein (p.Gly3297Ser). This variant is present in population databases (no rsID available, gnomAD 0.01%). This missense change has been observed in individual(s) with retinitis pigmentosa (Invitae). ClinVar contains an entry for this variant (Variation ID: 1382496). An algorithm developed to predict the effect of missense changes on protein structure and function (PolyPhen-2) suggests that this variant is likely to be disruptive. In summary, the available evidence is currently insufficient to determine the role of this variant in disease. Therefore, it has been classified as a Variant of Uncertain Significance.

NM_004385.5(VCAN):c.9889G>A (p.Gly3297Ser)

Gene: VCAN (versican; plus strand). Cytogenetic location: 5q14.3.
Variant type: single nucleotide variant.
Coding change: c.9889G>A on transcript NM_004385.5 (MANE Select); coding-DNA position 9889, G replaced by A.
Protein change: p.Gly3297Ser; replaces glycine 3297 with serine.
Molecular consequence: missense variant.
Genome position (GRCh38, 1-based): chr5:83,579,988, G>A. VCF-style: chr5-83579988-G-A. GRCh37 (hg19) VCF-style: chr5-82875807-G-A.
Other names: c.1666G>A, p.Gly556Ser (NM_001126336.3); c.6928G>A, p.Gly2310Ser (NM_001164097.2); c.4627G>A, p.Gly1543Ser (NM_001164098.2); short protein forms G556S, G2310S, G3297S, G1543S.
Identifiers: ClinVar variation 1382496 (VCV001382496.6), dbSNP rs1338387651, ClinGen allele CA360300504.